The following is an entry in ClinVar:

NM_015466.4(PTPN23):c.2225dup (p.Pro742_Glu743insTer)

Gene: PTPN23 (protein tyrosine phosphatase non-receptor type 23; plus strand). Cytogenetic location: 3p21.31.
Variant type: Duplication.
Coding change: c.2225dup on transcript NM_015466.4 (MANE Select); coding-DNA position 2225, one base duplicated (C; older notation c.2225dupC).
Protein change: p.Pro742_Glu743insTer.
Molecular consequence: frameshift variant.
Genome position (GRCh38, 1-based): chr3:47,410,023, C duplicated; the last of 6 consecutive C bases (chr3:47,410,018-47,410,023); duplicating any one gives the same sequence. VCF-style (leftmost placement, unchanged base first): chr3-47410017-A-AC. GRCh37 (hg19) VCF-style: chr3-47451507-A-AC.
Other names: c.1847dup, p.Pro616_Glu617insTer (NM_001304482.2).
Identifiers: ClinVar variation 3004371 (VCV003004371.4), dbSNP rs1315631422, ClinGen allele CA907617667.

ClinVar aggregate classification (germline): Pathogenic/Likely pathogenic. Review status: criteria provided, multiple submitters, no conflicts (2 of 4 stars). 2 submissions from 2 submitters: Pathogenic (1); Likely pathogenic (1). Last evaluated 2023-11-17.

Conditions:
PTPN23-related disorder. Also called: PTPN23-related condition.

Submissions (2):

Blueprint Genetics
Classification: Likely pathogenic for PTPN23-related disorders. Last evaluated: 2023-11-17. Review status: criteria provided, single submitter. Criteria: ACMG Guidelines, 2015. Collection method: clinical testing. Allele origin: germline. Affected: yes. Observed: 1 variant allele.

Labcorp Genetics (formerly Invitae), Labcorp
Classification: Pathogenic. Last evaluated: 2022-10-27. Review status: criteria provided, single submitter. Criteria: Invitae Variant Classification Sherloc (09022015). Collection method: clinical testing. Allele origin: germline.
Comment: For these reasons, this variant has been classified as Pathogenic. This variant has not been reported in the literature in individuals affected with PTPN23-related conditions. This variant is not present in population databases (gnomAD no frequency). This sequence change creates a premature translational stop signal (p.Glu743*) in the PTPN23 gene. It is expected to result in an absent or disrupted protein product. Loss-of-function variants in PTPN23 are known to be pathogenic (PMID: 29090338, 29899372).

Literature cited by the submitters: PubMed 29090338 (cited by Labcorp Genetics (formerly Invitae), Labcorp); PubMed 29899372 (cited by Labcorp Genetics (formerly Invitae), Labcorp).